The following is an entry in ClinVar:

NM_000092.5(COL4A4):c.905G>T (p.Gly302Val)

Gene: COL4A4 (collagen type IV alpha 4 chain; minus strand). Cytogenetic location: 2q36.3.
Variant type: single nucleotide variant.
Coding change: c.905G>T on transcript NM_000092.5 (MANE Select); coding-DNA position 905, G replaced by T.
Protein change: p.Gly302Val; replaces glycine 302 with valine.
Molecular consequence: missense variant.
Genome position (GRCh38, 1-based): chr2:227,102,814, C>A on the plus strand (G>T on the coding strand, the complement: COL4A4 is on the minus strand). VCF-style: chr2-227102814-C-A. GRCh37 (hg19) VCF-style: chr2-227967530-C-A.
Other names: short protein forms G302V.
Identifiers: ClinVar variation 1408199 (VCV001408199.6), dbSNP rs777687210, ClinGen allele CA350857121.

ClinVar aggregate classification (germline): Uncertain significance (1 of 4 stars; one submission).

Submission:

Labcorp Genetics (formerly Invitae), Labcorp
Classification: Uncertain significance. Last evaluated: 2021-11-14. Review status: criteria provided, single submitter. Criteria: Invitae Variant Classification Sherloc (09022015). Collection method: clinical testing. Allele origin: germline.
Comment: In summary, the available evidence is currently insufficient to determine the role of this variant in disease. Therefore, it has been classified as a Variant of Uncertain Significance. Advanced modeling of protein sequence and biophysical properties (such as structural, functional, and spatial information, amino acid conservation, physicochemical variation, residue mobility, and thermodynamic stability) performed at Invitae indicates that this missense variant is expected to disrupt COL4A4 protein function. This variant has not been reported in the literature in individuals affected with COL4A4-related conditions. This variant is not present in population databases (gnomAD no frequency). This sequence change replaces glycine, which is neutral and non-polar, with valine, which is neutral and non-polar, at codon 302 of the COL4A4 protein (p.Gly302Val).